The following is an entry in ClinVar:

ClinVar aggregate classification (germline): Pathogenic (1 of 4 stars; one submission).

Submission:

Labcorp Genetics (formerly Invitae), Labcorp
Classification: Pathogenic. Last evaluated: 2023-09-17. Review status: criteria provided, single submitter. Criteria: Invitae Variant Classification Sherloc (09022015). Collection method: clinical testing. Allele origin: germline.
Comment: For these reasons, this variant has been classified as Pathogenic. Algorithms developed to predict the effect of sequence changes on RNA splicing suggest that this variant may disrupt the consensus splice site. This variant has not been reported in the literature in individuals affected with COL2A1-related conditions. This variant is not present in population databases (gnomAD no frequency). This sequence change creates a premature translational stop signal (p.Gly104Lysfs*37) in the COL2A1 gene. It is expected to result in an absent or disrupted protein product. Loss-of-function variants in COL2A1 are known to be pathogenic (PMID: 20179744).

Literature cited by the submitters: PubMed 20179744.

NM_001844.5(COL2A1):c.306_309dup (p.Gly104fs)

Gene: COL2A1 (collagen type II alpha 1 chain; minus strand). Cytogenetic location: 12q13.11.
Variant type: Duplication.
Coding change: c.306_309dup on transcript NM_001844.5 (MANE Select); coding-DNA positions 306 to 309, 4 bases duplicated (AAAG; older notation c.306_309dupAAAG).
Protein change: p.Gly104fs; shifts the reading frame from glycine 104.
Molecular consequence: frameshift variant.
Genome position (GRCh38, 1-based): chr12:47,998,415-47,998,418, CTTT duplicated on the plus strand (AAAG on the coding strand, the reverse complement: COL2A1 is on the minus strand). VCF-style (leftmost placement, unchanged base first): chr12-47998414-C-CCTTT. GRCh37 (hg19) VCF-style: chr12-48392197-C-CCTTT.
Other names: c.99_102dup, p.Gly35fs (NM_033150.3); short protein forms G35fs, G104fs.
Identifiers: ClinVar variation 2761134 (VCV002761134.3), dbSNP rs2540183536, ClinGen allele CA2697559183.